The following is an entry in ClinVar:

ClinVar aggregate classification (germline): Uncertain significance (1 of 4 stars; one submission).

Conditions:
Hereditary nonpolyposis colorectal neoplasms. Identifiers: MedGen C0009405, MeSH D003123.

Submission:

Labcorp Genetics (formerly Invitae), Labcorp
Classification: Uncertain significance for Hereditary nonpolyposis colorectal neoplasms. Last evaluated: 2025-03-12. Review status: criteria provided, single submitter. Criteria: Invitae Variant Classification Sherloc (09022015). Collection method: clinical testing. Allele origin: germline.
Comment: This sequence change replaces proline, which is neutral and non-polar, with alanine, which is neutral and non-polar, at codon 343 of the MSH6 protein (p.Pro343Ala). This variant is not present in population databases (gnomAD no frequency). This variant has not been reported in the literature in individuals affected with MSH6-related conditions. Invitae Evidence Modeling of protein sequence and biophysical properties (such as structural, functional, and spatial information, amino acid conservation, physicochemical variation, residue mobility, and thermodynamic stability) indicates that this missense variant is not expected to disrupt MSH6 protein function with a negative predictive value of 95%. In summary, the available evidence is currently insufficient to determine the role of this variant in disease. Therefore, it has been classified as a Variant of Uncertain Significance.

NM_000179.3(MSH6):c.1027C>G (p.Pro343Ala)

Gene: MSH6 (mutS homolog 6; plus strand). Cytogenetic location: 2p16.3.
Variant type: single nucleotide variant.
Coding change: c.1027C>G on transcript NM_000179.3 (MANE Select); coding-DNA position 1027, C replaced by G.
Protein change: p.Pro343Ala; replaces proline 343 with alanine.
Molecular consequence: missense variant. On other transcripts: non-coding transcript variant (4), intron variant (1).
Genome position (GRCh38, 1-based): chr2:47,799,010, C>G. VCF-style: chr2-47799010-C-G. GRCh37 (hg19) VCF-style: chr2-48026149-C-G.
Other names: c.637C>G, p.Pro213Ala (NM_001281492.2); c.121C>G, p.Pro41Ala (NM_001281493.2, NM_001281494.2, NM_001406811.1 and 6 more transcripts); c.1123C>G, p.Pro375Ala (NM_001406795.1, NM_001406802.1); c.1027C>G, p.Pro343Ala (NM_001406796.1, NM_001406798.1, NM_001406800.1 and 4 more transcripts); c.730C>G, p.Pro244Ala (NM_001406797.1, NM_001406801.1, NM_001406805.1 and 10 more transcripts); c.502C>G, p.Pro168Ala (NM_001406799.1, NM_001406806.1, NM_001406807.1); c.949C>G, p.Pro317Ala (NM_001406804.1); c.1033C>G, p.Pro345Ala (NM_001406813.1); and 2 more; short protein forms P168A, P213A, P244A, P287A, P317A, P343A, P345A, P375A.
Identifiers: ClinVar variation 4800194 (VCV004800194.1).